The following is an entry in ClinVar:

NM_000051.4(ATM):c.769G>C (p.Glu257Gln)

Gene: ATM (ATM serine/threonine kinase; plus strand). Cytogenetic location: 11q22.3.
Variant type: single nucleotide variant.
Coding change: c.769G>C on transcript NM_000051.4 (MANE Select); coding-DNA position 769, G replaced by C.
Protein change: p.Glu257Gln; replaces glutamic acid 257 with glutamine.
Molecular consequence: missense variant.
Genome position (GRCh38, 1-based): chr11:108,244,894, G>C. VCF-style: chr11-108244894-G-C. GRCh37 (hg19) VCF-style: chr11-108115621-G-C.
Other names: c.769G>C, p.Glu257Gln (NM_001351834.2); short protein forms E257Q.
Identifiers: ClinVar variation 568728 (VCV000568728.9), dbSNP rs1565371596, ClinGen allele CA382529309.

ClinVar aggregate classification (germline): Uncertain significance (1 of 4 stars; one submission).

Conditions:
Ataxia-telangiectasia syndrome (AT). Also called: Ataxia telangiectasia (A-T); Ataxia-telangiectasia, complementation group D; AT, COMPLEMENTATION GROUP C; ATAXIA-TELANGIECTASIA, COMPLEMENTATION GROUP A; Ataxia-telangiectasia, complementation group E; ATAXIA-TELANGIECTASIA, FRESNO VARIANT. Identifiers: Orphanet 100, MedGen C0004135, MONDO:0008840, OMIM 208900.

Submission:

Labcorp Genetics (formerly Invitae), Labcorp
Classification: Uncertain significance for Ataxia-telangiectasia syndrome. Last evaluated: 2018-09-12. Review status: criteria provided, single submitter. Criteria: Invitae Variant Classification Sherloc (09022015). Collection method: clinical testing. Allele origin: germline.
Comment: In summary, the available evidence is currently insufficient to determine the role of this variant in disease. Therefore, it has been classified as a Variant of Uncertain Significance. Algorithms developed to predict the effect of missense changes on protein structure and function are either unavailable or do not agree on the potential impact of this missense change (SIFT: "Tolerated"; PolyPhen-2: "Possibly Damaging"; Align-GVGD: "Class C0"). This variant has not been reported in the literature in individuals with ATM-related disease. This variant is not present in population databases (ExAC no frequency). This sequence change replaces glutamic acid with glutamine at codon 257 of the ATM protein (p.Glu257Gln). The glutamic acid residue is moderately conserved and there is a small physicochemical difference between glutamic acid and glutamine.